The following is an entry in ClinVar:

NM_001005361.3(DNM2):c.292C>T (p.Arg98Trp)

Gene: DNM2 (dynamin 2; plus strand). Cytogenetic location: 19p13.2.
Variant type: single nucleotide variant.
Coding change: c.292C>T on transcript NM_001005361.3 (MANE Select); coding-DNA position 292, C replaced by T.
Protein change: p.Arg98Trp; replaces arginine 98 with tryptophan.
Molecular consequence: missense variant.
Genome position (GRCh38, 1-based): chr19:10,772,535, C>T. VCF-style: chr19-10772535-C-T. GRCh37 (hg19) VCF-style: chr19-10883211-C-T.
Other names: c.292C>T, p.Arg98Trp (NM_001005360.3, NM_001005362.3, NM_001190716.2 and 1 more transcripts); short protein forms R98W.
Identifiers: ClinVar variation 580024 (VCV000580024.9), dbSNP rs200408053, ClinGen allele CA9200754.

ClinVar aggregate classification (germline): Uncertain significance (1 of 4 stars; one submission).

Conditions:
Charcot-Marie-Tooth disease dominant intermediate B (CMTDIB). Also called: Charcot-Marie-Tooth disease dominant intermediate 1; CMT DI1; Charcot-Marie-Tooth disease dominant intermediate I; CHARCOT-MARIE-TOOTH NEUROPATHY, DOMINANT INTERMEDIATE B. Identifiers: Orphanet 100044, Orphanet 228179, MedGen C1847902, MONDO:0011674, OMIM 606482.

Allele frequency attached by ClinVar (database versions not stated): gnomAD 0.00001; gnomAD exomes 0.00001; ExAC 0.00002; 1000 Genomes Project 30x 0.00016.
gnomAD v4.1: 10 of 1,614,098 alleles (0.00062%); highest among the groups gnomAD compares: African/African-American, 0.0013%; no homozygotes.

Submission:

Labcorp Genetics (formerly Invitae), Labcorp
Classification: Uncertain significance for Charcot-Marie-Tooth disease dominant intermediate B. Last evaluated: 2018-05-18. Review status: criteria provided, single submitter. Criteria: Invitae Variant Classification Sherloc (09022015). Collection method: clinical testing. Allele origin: germline.
Comment: In summary, the available evidence is currently insufficient to determine the role of this variant in disease. Therefore, it has been classified as a Variant of Uncertain Significance. Algorithms developed to predict the effect of missense changes on protein structure and function (SIFT, PolyPhen-2, Align-GVGD) all suggest that this variant is likely to be disruptive, but these predictions have not been confirmed by published functional studies and their clinical significance is uncertain. This variant has not been reported in the literature in individuals with DNM2-related disease. This variant is present in population databases (rs200408053, ExAC 0.01%). This sequence change replaces arginine with tryptophan at codon 98 of the DNM2 protein (p.Arg98Trp). The arginine residue is highly conserved and there is a moderate physicochemical difference between arginine and tryptophan.